The following is an entry in ClinVar:

ClinVar aggregate classification (germline): Uncertain significance. Review status: criteria provided, multiple submitters, no conflicts (2 of 4 stars). 4 submissions from 4 submitters: Uncertain significance (3). 1 of the submissions does not count toward it. Last evaluated 2026-03-23.

Conditions:
Leber congenital amaurosis (LCA). Also called: Leber's amaurosis. Identifiers: Orphanet 65, MedGen C0339527, MeSH D057130, MONDO:0018998.

Allele frequency attached by ClinVar (database versions not stated): ExAC 0.00002; gnomAD exomes 0.00003; gnomAD 0.00007; ESP Exome Variant Server 0.00008; TOPMed 0.00008; 1000 Genomes Project 0.00020; 1000 Genomes Project 30x 0.00031.
gnomAD v4.1: 33 of 1,610,850 alleles (0.002%); highest among the groups gnomAD compares: Admixed American, 0.027%; no homozygotes.

Submissions (4):

Women's Health and Genetics/Laboratory Corporation of America, LabCorp
Classification: Uncertain significance. Last evaluated: 2026-03-23. Review status: criteria provided, single submitter. Criteria: LabCorp Variant Classification Summary - May 2015. Collection method: clinical testing. Allele origin: germline.

Blueprint Genetics
Classification: Uncertain significance. Last evaluated: 2024-04-19. Review status: criteria provided, single submitter. Criteria: ACMG Guidelines, 2015. Collection method: clinical testing. Allele origin: germline.

Labcorp Genetics (formerly Invitae), Labcorp
Classification: Uncertain significance. Last evaluated: 2022-07-26. Review status: criteria provided, single submitter. Criteria: Invitae Variant Classification Sherloc (09022015). Collection method: clinical testing. Allele origin: germline.
Comment: This sequence change falls in intron 5 of the LCA5 gene. It does not directly change the encoded amino acid sequence of the LCA5 protein. It affects a nucleotide within the consensus splice site. This variant is present in population databases (rs200302979, gnomAD 0.01%). This variant has not been reported in the literature in individuals affected with LCA5-related conditions. ClinVar contains an entry for this variant (Variation ID: 842412). Variants that disrupt the consensus splice site are a relatively common cause of aberrant splicing (PMID: 17576681, 9536098). Algorithms developed to predict the effect of sequence changes on RNA splicing suggest that this variant is not likely to affect RNA splicing. In summary, the available evidence is currently insufficient to determine the role of this variant in disease. Therefore, it has been classified as a Variant of Uncertain Significance.

Natera, Inc.
Classification: Uncertain significance for Leber congenital amaurosis. Last evaluated: 2020-09-16. Review status: no assertion criteria provided. Collection method: clinical testing. Allele origin: germline. Not counted in ClinVar's aggregate classification.

Literature cited by the submitters: PubMed 17576681 (cited by Labcorp Genetics (formerly Invitae), Labcorp); PubMed 9536098 (cited by Labcorp Genetics (formerly Invitae), Labcorp).

NM_001122769.3(LCA5):c.858+5G>C

Gene: LCA5 (lebercilin LCA5; minus strand). Cytogenetic location: 6q14.1.
Variant type: single nucleotide variant.
Coding change: c.858+5G>C on transcript NM_001122769.3 (MANE Select); 5 bases into the intron after coding-DNA position 858, G replaced by C.
Molecular consequence: intron variant.
Genome position (GRCh38, 1-based): chr6:79,493,608, C>G on the plus strand (G>C on the coding strand, the complement: LCA5 is on the minus strand). VCF-style: chr6-79493608-C-G. GRCh37 (hg19) VCF-style: chr6-80203325-C-G.
Other names: c.858+5G>C (NM_181714.4).
Identifiers: ClinVar variation 842412 (VCV000842412.7), dbSNP rs200302979, ClinGen allele CA3901010.